The following is an entry in ClinVar:

NM_001040142.2(SCN2A):c.3670G>A (p.Ala1224Thr)

Gene: SCN2A (sodium voltage-gated channel alpha subunit 2; plus strand). Cytogenetic location: 2q24.3.
Variant type: single nucleotide variant.
Coding change: c.3670G>A on transcript NM_001040142.2 (MANE Select); coding-DNA position 3670, G replaced by A.
Protein change: p.Ala1224Thr; replaces alanine 1224 with threonine.
Molecular consequence: missense variant.
Genome position (GRCh38, 1-based): chr2:165,367,366, G>A. VCF-style: chr2-165367366-G-A. GRCh37 (hg19) VCF-style: chr2-166223876-G-A.
Other names: c.3670G>A, p.Ala1224Thr (NM_001040143.2, NM_001371246.1, NM_001371247.1 and 1 more transcripts); short protein forms A1224T.
Identifiers: ClinVar variation 2943517 (VCV002943517.3), dbSNP rs780330020, ClinGen allele CA349026467.

ClinVar aggregate classification (germline): Uncertain significance (1 of 4 stars; one submission).

Conditions:
Seizures, benign familial infantile, 3 (BFIS3). Also called: CONVULSIONS, BENIGN FAMILIAL INFANTILE, 3; Familial neonatal seizures. Identifiers: Orphanet 140927, Orphanet 306, MedGen C1843140, MONDO:0011904, OMIM 607745.
Developmental and epileptic encephalopathy, 11 (DEE11). Also called: Early infantile epileptic encephalopathy 11. Identifiers: Orphanet 1934, MedGen C3150987, MONDO:0013388, OMIM 613721.

Submission:

Labcorp Genetics (formerly Invitae), Labcorp
Classification: Uncertain significance for Seizures, benign familial infantile, 3; Developmental and epileptic encephalopathy, 11. Last evaluated: 2023-01-22. Review status: criteria provided, single submitter. Criteria: Invitae Variant Classification Sherloc (09022015). Collection method: clinical testing. Allele origin: germline.
Comment: In summary, the available evidence is currently insufficient to determine the role of this variant in disease. Therefore, it has been classified as a Variant of Uncertain Significance. Advanced modeling of protein sequence and biophysical properties (such as structural, functional, and spatial information, amino acid conservation, physicochemical variation, residue mobility, and thermodynamic stability) performed at Invitae indicates that this missense variant is expected to disrupt SCN2A protein function. This variant has not been reported in the literature in individuals affected with SCN2A-related conditions. This variant is not present in population databases (gnomAD no frequency). This sequence change replaces alanine, which is neutral and non-polar, with threonine, which is neutral and polar, at codon 1224 of the SCN2A protein (p.Ala1224Thr).